The following is an entry in ClinVar:

NM_003791.4(MBTPS1):c.388C>T (p.Arg130Ter)

Gene: MBTPS1 (membrane bound transcription factor peptidase, site 1; minus strand). Cytogenetic location: 16q23.3.
Variant type: single nucleotide variant.
Coding change: c.388C>T on transcript NM_003791.4 (MANE Select); coding-DNA position 388, C replaced by T.
Protein change: p.Arg130Ter; replaces arginine 130 with a stop codon.
Molecular consequence: nonsense.
Genome position (GRCh38, 1-based): chr16:84,099,086, G>A on the plus strand (C>T on the coding strand, the complement: MBTPS1 is on the minus strand). VCF-style: chr16-84099086-G-A. GRCh37 (hg19) VCF-style: chr16-84132691-G-A.
Other names: short protein forms R130*.
Identifiers: ClinVar variation 3612404 (VCV003612404.2).
Genomic context (GRCh38, chr16:84,099,086, plus strand): 5'-AAATTTGCCTACAGTCACAATACTCACATTCAGCATACTTGAGGGAACGAAAGACTTTTC[G>A]TTGGGGCGTGACCCGTTTGATGTTTGGATGATCTTCAAGTGTTAGCAGCCCCGCTTTCTG-3'

ClinVar aggregate classification (germline): Pathogenic (1 of 4 stars; one submission).

Submission:

Labcorp Genetics (formerly Invitae), Labcorp
Classification: Pathogenic. Last evaluated: 2025-12-01. Review status: criteria provided, single submitter. Criteria: Invitae Variant Classification Sherloc (09022015). Collection method: clinical testing. Allele origin: germline.
Comment: This sequence change creates a premature translational stop signal (p.Arg130*) in the MBTPS1 gene. It is expected to result in an absent or disrupted protein product. Loss-of-function variants in MBTPS1 are known to be pathogenic (PMID: 30046013). This variant is present in population databases (rs757376683, gnomAD 0.003%). This variant has not been reported in the literature in individuals affected with MBTPS1-related conditions. ClinVar contains an entry for this variant (Variation ID: 3612404). For these reasons, this variant has been classified as Pathogenic.

Literature cited by the submitters: PubMed 30046013.